The following is an entry in ClinVar:

ClinVar aggregate classification (germline): Pathogenic (1 of 4 stars; one submission).

Conditions:
Glycogen storage disease, type II (IOPD). Also called: Glycogen storage disease type 2; Acid maltase deficiency disease; Aglucosidase alfa; Deficiency of alpha-glucosidase; Deficiency of lysosomal alpha-glucosidase; CARDIOMEGALIA GLYCOGENICA DIFFUSA. Identifiers: Orphanet 365, MedGen C0017921, MONDO:0009290, OMIM 232300.

Submission:

Labcorp Genetics (formerly Invitae), Labcorp
Classification: Pathogenic for Glycogen storage disease, type II. Last evaluated: 2022-09-23. Review status: criteria provided, single submitter. Criteria: Invitae Variant Classification Sherloc (09022015). Collection method: clinical testing. Allele origin: germline.
Comment: This sequence change creates a premature translational stop signal (p.Asp616Glyfs*20) in the GAA gene. It is expected to result in an absent or disrupted protein product. Loss-of-function variants in GAA are known to be pathogenic (PMID: 18425781, 22252923). For these reasons, this variant has been classified as Pathogenic. ClinVar contains an entry for this variant (Variation ID: 1422361). This variant has not been reported in the literature in individuals affected with GAA-related conditions. This variant is not present in population databases (gnomAD no frequency).

Literature cited by the submitters: PubMed 18425781; PubMed 22252923.

NM_000152.5(GAA):c.1846dup (p.Asp616fs)

Gene: GAA (alpha glucosidase; plus strand). Cytogenetic location: 17q25.3.
Variant type: Duplication.
Coding change: c.1846dup on transcript NM_000152.5 (MANE Select); coding-DNA position 1846, one base duplicated (G; older notation c.1846dupG).
Protein change: p.Asp616fs; shifts the reading frame from aspartic acid 616.
Molecular consequence: frameshift variant.
Genome position (GRCh38, 1-based): chr17:80,112,669, G duplicated; the last of 5 consecutive G bases (chr17:80,112,665-80,112,669); duplicating any one gives the same sequence. VCF-style (leftmost placement, unchanged base first): chr17-80112664-C-CG. GRCh37 (hg19) VCF-style: chr17-78086463-C-CG.
Other names: c.1846dup, p.Asp616fs (NM_001079803.3, NM_001079804.3); short protein forms D616fs.
Identifiers: ClinVar variation 1422361 (VCV001422361.6), dbSNP rs1249187013, ClinGen allele CA775518065.